The following is an entry in ClinVar:

NM_003200.5(TCF3):c.1897C>A (p.Pro633Thr)

Gene: TCF3 (transcription factor 3; minus strand). Cytogenetic location: 19p13.3.
Variant type: single nucleotide variant.
Coding change: c.1897C>A on transcript NM_003200.5 (MANE Select); coding-DNA position 1897, C replaced by A.
Protein change: p.Pro633Thr; replaces proline 633 with threonine.
Molecular consequence: missense variant.
Genome position (GRCh38, 1-based): chr19:1,611,775, G>T on the plus strand (C>A on the coding strand, the complement: TCF3 is on the minus strand). VCF-style: chr19-1611775-G-T. GRCh37 (hg19) VCF-style: chr19-1611774-G-T.
Other names: c.1888C>A, p.Pro630Thr (NM_001136139.4, NM_001351779.2); c.1894C>A, p.Pro632Thr (NM_001351778.2); short protein forms P630T, P633T, P632T.
Identifiers: ClinVar variation 1973964 (VCV001973964.5), dbSNP rs755623369, ClinGen allele CA9049511.

ClinVar aggregate classification (germline): Uncertain significance (1 of 4 stars; one submission).

gnomAD v4.1: 1 of 1,613,746 alleles (0.000062%); highest among the groups gnomAD compares: Admixed American, 0.0017%; no homozygotes.

Submission:

Labcorp Genetics (formerly Invitae), Labcorp
Classification: Uncertain significance. Last evaluated: 2023-01-22. Review status: criteria provided, single submitter. Criteria: Invitae Variant Classification Sherloc (09022015). Collection method: clinical testing. Allele origin: germline.
Comment: In summary, the available evidence is currently insufficient to determine the role of this variant in disease. Therefore, it has been classified as a Variant of Uncertain Significance. This sequence change replaces proline, which is neutral and non-polar, with threonine, which is neutral and polar, at codon 633 of the TCF3 protein (p.Pro633Thr). This variant is present in population databases (rs755623369, gnomAD 0.003%). This variant has not been reported in the literature in individuals affected with TCF3-related conditions. Advanced modeling of protein sequence and biophysical properties (such as structural, functional, and spatial information, amino acid conservation, physicochemical variation, residue mobility, and thermodynamic stability) performed at Invitae indicates that this missense variant is not expected to disrupt TCF3 protein function.